The following is an entry in ClinVar:

NM_001127208.3(TET2):c.3887A>T (p.Asn1296Ile)

Genes: TET2 (tet methylcytosine dioxygenase 2; plus strand), TET2-AS1 (TET2 antisense RNA 1; minus strand). Cytogenetic location: 4q24.
Variant type: single nucleotide variant.
Coding change: c.3887A>T on transcript NM_001127208.3 (MANE Select); coding-DNA position 3887, A replaced by T.
Protein change: p.Asn1296Ile; replaces asparagine 1296 with isoleucine.
Molecular consequence: missense variant.
Genome position (GRCh38, 1-based): chr4:105,259,702, A>T. VCF-style: chr4-105259702-A-T. GRCh37 (hg19) VCF-style: chr4-106180859-A-T.
Other names: short protein forms N1296I.
Identifiers: ClinVar variation 2443283 (VCV002443283.2), dbSNP rs2476622366, ClinGen allele CA16020708.

ClinVar aggregate classification (germline): Uncertain significance (0 of 4 stars; one submission).

gnomAD v4.1: 1 of 1,551,220 alleles (0.000064%); highest among the groups gnomAD compares: Non-Finnish European, 0.000087%; no homozygotes.

Submission:

Genetic Services Laboratory, University of Chicago
Classification: Uncertain significance. Last evaluated: 2022-12-23. Review status: no assertion criteria provided. Collection method: clinical testing. Allele origin: germline. Affected: no.
Comment: DNA sequence analysis of the TET2 gene demonstrated a sequence change, c.3887A>T, in exon 7 that results in an amino acid change, p.Asn1296Ile. This sequence change does not appear to have been previously described in individuals with TET2-related disorders and has also not been described in the population databases such as ExAC and gnomAD. The p.Asn1296Ile change affects a highly conserved amino acid residue located in a domain of the TET2 protein that is not known to be functional. The p.Asn1296Ile substitution appears to be deleterious using several in-silico pathogenicity prediction tools (SIFT, PolyPhen2, Align GVGD, REVEL). Due to insufficient evidence and the lack of functional studies, the clinical significance of the p.Asn1296Ile change remains unknown at this time.